The following is an entry in ClinVar:

NM_002299.4(LCT):c.4696A>G (p.Ile1566Val)

Gene: LCT (lactase; minus strand). Cytogenetic location: 2q21.3.
Variant type: single nucleotide variant.
Coding change: c.4696A>G on transcript NM_002299.4 (MANE Select); coding-DNA position 4696, A replaced by G.
Protein change: p.Ile1566Val; replaces isoleucine 1566 with valine.
Molecular consequence: missense variant.
Genome position (GRCh38, 1-based): chr2:135,800,777, T>C on the plus strand (A>G on the coding strand, the complement: LCT is on the minus strand). VCF-style: chr2-135800777-T-C. GRCh37 (hg19) VCF-style: chr2-136558347-T-C.
Other names: short protein forms I1566V.
Identifiers: ClinVar variation 1918770 (VCV001918770.6), dbSNP rs544545973, ClinGen allele CA1887786.

ClinVar aggregate classification (germline): Uncertain significance. Review status: criteria provided, multiple submitters, no conflicts (2 of 4 stars). 2 submissions from 2 submitters: Uncertain significance (2). Last evaluated 2024-11-24.

Conditions:
Inborn genetic diseases. Identifiers: MedGen C0950123, MeSH D030342.

Allele frequency attached by ClinVar (database versions not stated): ExAC 0.00002; TOPMed 0.00002; gnomAD 0.00003; 1000 Genomes Project 30x 0.00016; 1000 Genomes Project 0.00020.
gnomAD v4.1: 16 of 1,614,090 alleles (0.00099%); highest among the groups gnomAD compares: East Asian, 0.013%; 1 homozygote.

Submissions (2):

Ambry Genetics
Classification: Uncertain significance for Inborn genetic diseases. Last evaluated: 2024-11-24. Review status: criteria provided, single submitter. Criteria: Ambry Variant Classification Scheme 2023. Collection method: clinical testing. Allele origin: germline.

Labcorp Genetics (formerly Invitae), Labcorp
Classification: Uncertain significance. Last evaluated: 2022-01-26. Review status: criteria provided, single submitter. Criteria: Invitae Variant Classification Sherloc (09022015). Collection method: clinical testing. Allele origin: germline.
Comment: In summary, the available evidence is currently insufficient to determine the role of this variant in disease. Therefore, it has been classified as a Variant of Uncertain Significance. Algorithms developed to predict the effect of missense changes on protein structure and function output the following: SIFT: "Not Available"; PolyPhen-2: "Benign"; Align-GVGD: "Not Available". The valine amino acid residue is found in multiple mammalian species, which suggests that this missense change does not adversely affect protein function. This variant has not been reported in the literature in individuals affected with LCT-related conditions. The frequency data for this variant in the population databases is considered unreliable, as metrics indicate poor data quality at this position in the gnomAD database. This sequence change replaces isoleucine, which is neutral and non-polar, with valine, which is neutral and non-polar, at codon 1566 of the LCT protein (p.Ile1566Val).